The following is an entry in ClinVar:

ClinVar aggregate classification (germline): Uncertain significance (1 of 4 stars; one submission).

Allele frequency attached by ClinVar (database versions not stated): gnomAD exomes below 0.00001; TOPMed below 0.00001.
gnomAD v4.1: 1 of 1,613,006 alleles (0.000062%); highest among the groups gnomAD compares: Non-Finnish European, 0.000085%; no homozygotes.

Submission:

Labcorp Genetics (formerly Invitae), Labcorp
Classification: Uncertain significance. Last evaluated: 2023-11-19. Review status: criteria provided, single submitter. Criteria: Invitae Variant Classification Sherloc (09022015). Collection method: clinical testing. Allele origin: germline.
Comment: This sequence change replaces tryptophan, which is neutral and slightly polar, with arginine, which is basic and polar, at codon 338 of the BEST1 protein (p.Trp338Arg). This variant is not present in population databases (gnomAD no frequency). This variant has not been reported in the literature in individuals affected with BEST1-related conditions. Advanced modeling of protein sequence and biophysical properties (such as structural, functional, and spatial information, amino acid conservation, physicochemical variation, residue mobility, and thermodynamic stability) performed at Invitae indicates that this missense variant is expected to disrupt BEST1 protein function with a positive predictive value of 95%. In summary, the available evidence is currently insufficient to determine the role of this variant in disease. Therefore, it has been classified as a Variant of Uncertain Significance.

NM_004183.4(BEST1):c.1012T>A (p.Trp338Arg)

Gene: BEST1 (bestrophin 1; plus strand). Cytogenetic location: 11q12.3.
Variant type: single nucleotide variant.
Coding change: c.1012T>A on transcript NM_004183.4 (MANE Select); coding-DNA position 1012, T replaced by A.
Protein change: p.Trp338Arg; replaces tryptophan 338 with arginine.
Molecular consequence: missense variant. On other transcripts: synonymous variant (1), non-coding transcript variant (1).
Genome position (GRCh38, 1-based): chr11:61,959,955, T>A. VCF-style: chr11-61959955-T-A. GRCh37 (hg19) VCF-style: chr11-61727427-T-A.
Other names: c.832T>A, p.Trp278Arg (NM_001139443.3, NM_001300787.2); c.751T>A, p.Trp251Arg (NM_001300786.2); c.694T>A, p.Trp232Arg (NM_001363591.3); c.1215T>A, p.Thr405= (NM_001363592.2); c.40T>A, p.Trp14Arg (NM_001363593.3); short protein forms W251R, W278R, W14R, W338R, W232R.
Identifiers: ClinVar variation 2820519 (VCV002820519.3), dbSNP rs1412750890, ClinGen allele CA380846199.